The following is an entry in ClinVar:

NM_000363.5(TNNI3):c.372+8G>A

Gene: TNNI3 (troponin I3, cardiac type; minus strand). Cytogenetic location: 19q13.42.
Variant type: single nucleotide variant.
Coding change: c.372+8G>A on transcript NM_000363.5 (MANE Select); 8 bases into the intron after coding-DNA position 372, G replaced by A.
Molecular consequence: intron variant.
Genome position (GRCh38, 1-based): chr19:55,154,733, C>T on the plus strand (G>A on the coding strand, the complement: TNNI3 is on the minus strand). VCF-style: chr19-55154733-C-T. GRCh37 (hg19) VCF-style: chr19-55666101-C-T.
Identifiers: ClinVar variation 700976 (VCV000700976.14), dbSNP rs200573982, ClinGen allele CA310148792.

ClinVar aggregate classification (germline): Likely benign. Review status: criteria provided, multiple submitters, no conflicts (2 of 4 stars). 4 submissions from 4 submitters: Likely benign (4). Last evaluated 2025-04-29.

Conditions:
TNNI3-related disorder. Also called: TNNI3-related condition; TNNI3-related disorders.
Hypertrophic cardiomyopathy. Also called: HYPERTROPHIC MYOCARDIOPATHY. Identifiers: Orphanet 217569, MedGen C0007194, MeSH D002312, MONDO:0005045, HP:0001639.

gnomAD v4.1: 18 of 1,613,666 alleles (0.0011%); highest among the groups gnomAD compares: South Asian, 0.0088%; no homozygotes.

Submissions (4):

Women's Health and Genetics/Laboratory Corporation of America, LabCorp
Classification: Likely benign. Last evaluated: 2025-04-29. Review status: criteria provided, single submitter. Criteria: LabCorp Variant Classification Summary - May 2015. Collection method: clinical testing. Allele origin: germline.

Labcorp Genetics (formerly Invitae), Labcorp
Classification: Likely benign for Hypertrophic cardiomyopathy. Last evaluated: 2025-01-15. Review status: criteria provided, single submitter. Criteria: Invitae Variant Classification Sherloc (09022015). Collection method: clinical testing. Allele origin: germline.

PreventionGenetics, part of Exact Sciences
Classification: Likely benign for TNNI3-related condition. Last evaluated: 2024-12-13. Review status: criteria provided, single submitter. Criteria: ACMG Guidelines, 2015. Collection method: clinical testing. Allele origin: germline.
Comment: This variant is classified as likely benign based on ACMG/AMP sequence variant interpretation guidelines (Richards et al. 2015 PMID: 25741868, with internal and published modifications).

Blueprint Genetics
Classification: Likely benign. Last evaluated: 2022-04-07. Review status: criteria provided, single submitter. Criteria: ACMG Guidelines, 2015. Collection method: clinical testing. Allele origin: germline.